The following is an entry in ClinVar:

NM_001006630.2(CHRM2):c.638G>A (p.Ser213Asn)

Genes: CHRM2 (cholinergic receptor muscarinic 2; plus strand), LOC349160 (uncharacterized LOC349160; minus strand). Cytogenetic location: 7q33.
Variant type: single nucleotide variant.
Coding change: c.638G>A on transcript NM_001006630.2 (MANE Select); coding-DNA position 638, G replaced by A.
Protein change: p.Ser213Asn; replaces serine 213 with asparagine.
Molecular consequence: missense variant.
Genome position (GRCh38, 1-based): chr7:137,015,503, G>A. VCF-style: chr7-137015503-G-A. GRCh37 (hg19) VCF-style: chr7-136700250-G-A.
Other names: c.638G>A, p.Ser213Asn (NM_000739.3, NM_001006626.3, NM_001006627.3 and 6 more transcripts); short protein forms S213N.
Identifiers: ClinVar variation 2810515 (VCV002810515.3), dbSNP rs2536206941, ClinGen allele CA369486940.

ClinVar aggregate classification (germline): Uncertain significance (1 of 4 stars; one submission).

Submission:

Labcorp Genetics (formerly Invitae), Labcorp
Classification: Uncertain significance. Last evaluated: 2022-10-29. Review status: criteria provided, single submitter. Criteria: Invitae Variant Classification Sherloc (09022015). Collection method: clinical testing. Allele origin: germline.
Comment: This sequence change replaces serine, which is neutral and polar, with asparagine, which is neutral and polar, at codon 213 of the CHRM2 protein (p.Ser213Asn). This variant is not present in population databases (gnomAD no frequency). This variant has not been reported in the literature in individuals affected with CHRM2-related conditions. Algorithms developed to predict the effect of missense changes on protein structure and function are either unavailable or do not agree on the potential impact of this missense change (SIFT: "Deleterious"; PolyPhen-2: "Probably Damaging"; Align-GVGD: "Class C0"). In summary, the available evidence is currently insufficient to determine the role of this variant in disease. Therefore, it has been classified as a Variant of Uncertain Significance.